The following is an entry in ClinVar:

ClinVar aggregate classification (germline): Pathogenic/Likely pathogenic. Review status: criteria provided, multiple submitters, no conflicts (2 of 4 stars). 2 submissions from 2 submitters: Pathogenic (1); Likely pathogenic (1). Last evaluated 2025-07-27.

Conditions:
CFAP418-related disorder. Also called: CFAP418-related condition.

Submissions (2):

Labcorp Genetics (formerly Invitae), Labcorp
Classification: Pathogenic. Last evaluated: 2025-07-27. Review status: criteria provided, single submitter. Criteria: Invitae Variant Classification Sherloc (09022015). Collection method: clinical testing. Allele origin: germline.
Comment: This sequence change creates a premature translational stop signal (p.Glu162Asnfs*5) in the C8orf37 gene. While this is not anticipated to result in nonsense mediated decay, it is expected to disrupt the last 46 amino acid(s) of the C8orf37 protein. This variant is not present in population databases (gnomAD no frequency). This variant has not been reported in the literature in individuals affected with C8orf37-related conditions. This variant disrupts a region of the C8orf37 protein in which other variant(s) (p.Trp202*) have been determined to be pathogenic (internal data). This suggests that this is a clinically significant region of the protein, and that variants that disrupt it are likely to be disease-causing. For these reasons, this variant has been classified as Pathogenic.

PreventionGenetics, part of Exact Sciences
Classification: Likely pathogenic for CFAP418-related condition. Last evaluated: 2024-11-14. Review status: criteria provided, single submitter. Criteria: ACMG Guidelines, 2015. Collection method: clinical testing. Allele origin: germline.
Comment: The CFAP418 c.484delG variant is predicted to result in a frameshift and premature protein termination (p.Glu162Asnfs*5). To our knowledge, this variant has not been reported in the literature or in a large population database (gnomAD), indicating this variant is rare. This variant resides in the final exon of this gene, and it is unclear if the resulting mRNA would undergo nonsense-mediated decay. However, multiple frameshift variants downstream of this variant have been reported in the homozygous or compound heterozygous state with another truncating variant in individuals with retinal diseases (see for example c.575del in Katagiri et al. 2016. PubMed ID: 25113443; c.515dup in Panneman et al. 2023. PubMed ID: 36819107). Taken together, the c.484del (p.Glu162Asnfs*5) variant is interpreted as likely pathogenic.

NM_177965.4(CFAP418):c.484del (p.Glu162fs)

Gene: CFAP418 (cilia and flagella associated protein 418; minus strand). Cytogenetic location: 8q22.1.
Variant type: Deletion.
Coding change: c.484del on transcript NM_177965.4 (MANE Select); coding-DNA position 484, one base deleted (G; older notation c.484delG).
Protein change: p.Glu162fs; shifts the reading frame from glutamic acid 162.
Molecular consequence: frameshift variant.
Genome position (GRCh38, 1-based): chr8:95,247,757, C deleted on the plus strand (G on the coding strand, the reverse complement: CFAP418 is on the minus strand). VCF-style (leftmost placement, unchanged base first): chr8-95247756-TC-T. GRCh37 (hg19) VCF-style: chr8-96259984-TC-T.
Other names: c.388del, p.Glu130fs (NM_001363260.1); c.484delG (NM_177965.3); short protein forms E130fs, E162fs.
Identifiers: ClinVar variation 4774335 (VCV004774335.2).